The following is an entry in ClinVar:

NM_001267550.2(TTN):c.53003-1G>A

Genes: TTN (titin; minus strand), TTN-AS1 (TTN antisense RNA 1; plus strand), LOC126806425 (BRD4-independent group 4 enhancer GRCh37_chr2:179471933-179473132; plus strand). Cytogenetic location: 2q31.2.
Variant type: single nucleotide variant.
Coding change: c.53003-1G>A on transcript NM_001267550.2 (MANE Select); the canonical splice acceptor site of the intron before coding-DNA position 53003, G replaced by A.
Molecular consequence: splice acceptor variant.
Genome position (GRCh38, 1-based): chr2:178,607,686, C>T on the plus strand (G>A on the coding strand, the complement: TTN is on the minus strand). VCF-style: chr2-178607686-C-T. GRCh37 (hg19) VCF-style: chr2-179472413-C-T.
Other names: c.25808-1G>A (NM_003319.4); c.26384-1G>A (NM_133437.4); c.26183-1G>A (NM_133432.3); c.45299-1G>A (NM_133378.4); c.48080-1G>A (NM_001256850.1).
Identifiers: ClinVar variation 4615386 (VCV004615386.1).
Genomic context (GRCh38, chr2:178,607,686, plus strand): 5'-TCCCAGCCATTATTTGTATTCCACCCTTGACAGAAACATCCAGTTCCACAGCTGGAGGCT[C>T]TGTTGAAAGAGAACAGTCATGCATTAGCCCATGAAAGATTAAAAAATAGTCCCATATAGA-3'

ClinVar aggregate classification (germline): Likely pathogenic (1 of 4 stars; one submission).

Conditions:
Cardiovascular phenotype. Identifiers: MedGen CN230736.

Submission:

Ambry Genetics
Classification: Likely pathogenic for Cardiovascular phenotype. Last evaluated: 2025-11-10. Review status: criteria provided, single submitter. Criteria: Ambry Variant Classification Scheme 2023. Collection method: clinical testing. Allele origin: germline.
Comment: The c.25808-1G>A intronic variant results from a G to A substitution one nucleotide before coding exon 104 of the TTN gene. This variant disrupts the canonical splice site and is expected to cause aberrant splicing, resulting in an abnormal protein or a transcript that is subject to nonsense-mediated mRNA decay. This variant was not reported in population-based cohorts in the Genome Aggregation Database (gnomAD). This nucleotide position is highly conserved in available vertebrate species. This exon is located in the A-band region of the N2-B isoform of the titin protein and is constitutively expressed in TTN transcripts (percent spliced in or PSI 100%). While loss of function variants in TTN are present in 1-3% of the general population, truncating variants (a category that includes canonical splice site variants) in the A-band are the most common cause of dilated cardiomyopathy (DCM) (Herman, 2012; Roberts, 2015). TTN truncating variants encoded in constitutive exons (PSI >90%) have been found to be significantly associated with DCM regardless of their position in titin (Schafer, 2017; Akhtar, 2020; Massier, 2025). In silico splice site analysis predicts that this alteration will weaken the native splice acceptor site and will result in the creation or strengthening of a novel splice acceptor site. Based on the available evidence, this alteration is classified as likely pathogenic.

Literature cited by the submitters: PubMed 22335739; PubMed 25589632; PubMed 27869827; PubMed 32964742; PubMed 39844436.